The following is an entry in ClinVar:

NM_000179.3(MSH6):c.3714T>C (p.Thr1238=)

Gene: MSH6 (mutS homolog 6; plus strand). Cytogenetic location: 2p16.3.
Variant type: single nucleotide variant.
Coding change: c.3714T>C on transcript NM_000179.3 (MANE Select); coding-DNA position 3714, T replaced by C.
Protein change: p.Thr1238=; no amino-acid change (threonine 1238 retained).
Molecular consequence: synonymous variant.
Genome position (GRCh38, 1-based): chr2:47,806,271, T>C. VCF-style: chr2-47806271-T-C. GRCh37 (hg19) VCF-style: chr2-48033410-T-C.
Other names: c.3324T>C, p.Thr1108= (NM_001281492.2); c.2808T>C, p.Thr936= (NM_001281493.2, NM_001281494.2).
Identifiers: ClinVar variation 1078462 (VCV001078462.13), dbSNP rs779615974, ClinGen allele CA425997967.

ClinVar aggregate classification (germline): Benign/Likely benign. Review status: criteria provided, multiple submitters, no conflicts (2 of 4 stars). 4 submissions from 4 submitters: Benign (1); Likely benign (3). Last evaluated 2025-06-06.

Conditions:
Hereditary nonpolyposis colorectal neoplasms. Identifiers: MedGen C0009405, MeSH D003123.
Hereditary cancer-predisposing syndrome. Also called: Hereditary Cancer Syndrome; Hereditary neoplastic syndrome; Tumor predisposition; Neoplastic Syndromes, Hereditary. Identifiers: Orphanet 140162, MedGen C0027672, MeSH D009386, MONDO:0015356.
Lynch syndrome 5 (LYNCH5). Also called: Hereditary non-polyposis colorectal cancer, type 5; Colorectal cancer, hereditary nonpolyposis, type 5. Identifiers: Orphanet 144, MedGen C1833477, MONDO:0013710, OMIM 614350. Disease mechanism: loss of function.

Allele frequency attached by ClinVar (database versions not stated): TOPMed below 0.00001; gnomAD exomes 0.00001.
gnomAD v4.1: 3 of 1,614,070 alleles (0.00019%); highest among the groups gnomAD compares: East Asian, 0.0067%; no homozygotes.

Submissions (4):

Labcorp Genetics (formerly Invitae), Labcorp
Classification: Likely benign for Hereditary nonpolyposis colorectal neoplasms. Last evaluated: 2025-06-06. Review status: criteria provided, single submitter. Criteria: Invitae Variant Classification Sherloc (09022015). Collection method: clinical testing. Allele origin: germline.

Color Diagnostics, LLC DBA Color Health
Classification: Likely benign for Hereditary cancer-predisposing syndrome. Last evaluated: 2025-03-24. Review status: criteria provided, single submitter. Criteria: ACMG Guidelines, 2015. Collection method: clinical testing. Allele origin: germline.

Myriad Genetics, Inc.
Classification: Benign for Lynch syndrome 5. Last evaluated: 2025-01-08. Review status: criteria provided, single submitter. Criteria: Myriad Autosomal Dominant, Autosomal Recessive and X-Linked Classification Criteria (2023). Collection method: clinical testing. Allele origin: unknown.
Comment: This variant is considered benign. This variant is a silent/synonymous amino acid change and it is not expected to impact splicing.

Ambry Genetics
Classification: Likely benign for Hereditary cancer-predisposing syndrome. Last evaluated: 2019-12-30. Review status: criteria provided, single submitter. Criteria: Ambry Variant Classification Scheme 2023. Collection method: clinical testing. Allele origin: germline.